The following is an entry in ClinVar:

NM_001283009.2(RTEL1):c.329T>C (p.Ile110Thr)

Genes: RTEL1 (regulator of telomere elongation helicase 1; plus strand), RTEL1-TNFRSF6B (RTEL1-TNFRSF6B readthrough (NMD candidate); plus strand). Cytogenetic location: 20q13.33.
Variant type: single nucleotide variant.
Coding change: c.329T>C on transcript NM_001283009.2 (MANE Select); coding-DNA position 329, T replaced by C.
Protein change: p.Ile110Thr; replaces isoleucine 110 with threonine.
Molecular consequence: missense variant. On other transcripts: non-coding transcript variant (1), 5 prime UTR variant (1).
Genome position (GRCh38, 1-based): chr20:63,661,877, T>C. VCF-style: chr20-63661877-T-C. GRCh37 (hg19) VCF-style: chr20-62293230-T-C.
Other names: c.-341T>C (NM_001283010.1); c.329T>C, p.Ile110Thr (NM_016434.4, NM_032957.5); short protein forms I110T.
Identifiers: ClinVar variation 4157653 (VCV004157653.1).

ClinVar aggregate classification (germline): Uncertain significance (1 of 4 stars; one submission).

Conditions:
Inborn genetic diseases. Identifiers: MedGen C0950123, MeSH D030342.

Submission:

Ambry Genetics
Classification: Uncertain significance for Inborn genetic diseases. Last evaluated: 2025-08-10. Review status: criteria provided, single submitter. Criteria: Ambry Variant Classification Scheme 2023. Collection method: clinical testing. Allele origin: germline.
Comment: The p.I110T variant (also known as c.329T>C), located in coding exon 3 of the RTEL1 gene, results from a T to C substitution at nucleotide position 329. The isoleucine at codon 110 is replaced by threonine, an amino acid with similar properties. This amino acid position is conserved. In addition, this alteration is predicted to be deleterious by in silico analysis. Based on the available evidence, the clinical significance of this variant remains unclear.